The following is an entry in ClinVar:

NM_000245.4(MET):c.1116C>T (p.Asp372=)

Gene: MET (MET proto-oncogene, receptor tyrosine kinase; plus strand). Cytogenetic location: 7q31.2.
Variant type: single nucleotide variant.
Coding change: c.1116C>T on transcript NM_000245.4 (MANE Select); coding-DNA position 1116, C replaced by T.
Protein change: p.Asp372=; no amino-acid change (aspartic acid 372 retained).
Molecular consequence: synonymous variant. On other transcripts: intron variant (1).
Genome position (GRCh38, 1-based): chr7:116,700,200, C>T. VCF-style: chr7-116700200-C-T. GRCh37 (hg19) VCF-style: chr7-116340254-C-T.
Other names: c.1116C>T, p.Asp372= (NM_001127500.3, NM_001324401.3); c.-91+27623C>T (NM_001324402.2).
Identifiers: ClinVar variation 1796334 (VCV001796334.3), dbSNP rs760727137, ClinGen allele CA457448142.
Genomic context (GRCh38, chr7:116,700,200, plus strand): 5'-TTCTGCCGAACCAATGGATCGATCTGCCATGTGTGCATTCCCTATCAAATATGTCAACGA[C>T]TTCTTCAACAAGATCGTCAACAAAAACAATGTGAGATGTCTCCAGCATTTTTACGGACCC-3'
Protein context (NP_000236.2, residues 362-382): MCAFPIKYVN[Asp372=]FFNKIVNKNN

ClinVar aggregate classification (germline): Benign/Likely benign. Review status: criteria provided, multiple submitters, no conflicts (2 of 4 stars). 2 submissions from 2 submitters: Benign (1); Likely benign (1). Last evaluated 2024-11-07.

Conditions:
Hereditary cancer-predisposing syndrome. Also called: Tumor predisposition; Hereditary Cancer Syndrome; Neoplastic Syndromes, Hereditary; Hereditary neoplastic syndrome. Identifiers: Orphanet 140162, MedGen C0027672, MeSH D009386, MONDO:0015356.
Papillary renal cell carcinoma type 1 (RCCP1). Also called: RENAL CELL CARCINOMA, PAPILLARY, 1, SOMATIC; Renal adenocarcinoma; Renal cell carcinoma 1; Renal cell carcinoma, somatic. Identifiers: Orphanet 47044, MedGen C1336839, OMIM 605074, HP:0011797.

Allele frequency attached by ClinVar (database versions not stated): gnomAD exomes below 0.00001.
gnomAD v4.1: 1 of 1,593,260 alleles (0.000063%); highest among the groups gnomAD compares: East Asian, 0.0022%; no homozygotes.

Submissions (2):

Myriad Genetics, Inc.
Classification: Benign for Papillary renal cell carcinoma type 1. Last evaluated: 2024-11-07. Review status: criteria provided, single submitter. Criteria: Myriad Autosomal Dominant, Autosomal Recessive and X-Linked Classification Criteria (2023). Collection method: clinical testing. Allele origin: unknown.
Comment: This variant is considered benign. This variant is a silent/synonymous amino acid change and it is not expected to impact splicing.

Ambry Genetics
Classification: Likely benign for Hereditary cancer-predisposing syndrome. Last evaluated: 2020-01-15. Review status: criteria provided, single submitter. Criteria: Ambry Variant Classification Scheme 2023. Collection method: clinical testing. Allele origin: germline.